The following is an entry in ClinVar:

NM_000426.4(LAMA2):c.2383G>T (p.Glu795Ter)

Gene: LAMA2 (laminin subunit alpha 2; plus strand). Cytogenetic location: 6q22.33.
Variant type: single nucleotide variant.
Coding change: c.2383G>T on transcript NM_000426.4 (MANE Select); coding-DNA position 2383, G replaced by T.
Protein change: p.Glu795Ter; replaces glutamic acid 795 with a stop codon.
Molecular consequence: nonsense.
Genome position (GRCh38, 1-based): chr6:129,270,684, G>T. VCF-style: chr6-129270684-G-T. GRCh37 (hg19) VCF-style: chr6-129591829-G-T.
Other names: c.2383G>T, p.Glu795Ter (NM_001079823.2); short protein forms E795*.
Identifiers: ClinVar variation 1807350 (VCV001807350.7), dbSNP rs149896793, ClinGen allele CA3992919.

ClinVar aggregate classification (germline): Pathogenic/Likely pathogenic. Review status: criteria provided, multiple submitters, no conflicts (2 of 4 stars). 3 submissions from 3 submitters: Pathogenic (2); Likely pathogenic (1). Last evaluated 2025-01-06.

Conditions:
LAMA2-related muscular dystrophy (LAMA2-RD). Also called: Laminin alpha 2-related dystrophy. Identifiers: MedGen C5679788, MONDO:0100228.
Merosin deficient congenital muscular dystrophy (MDC1A). Also called: Congenital Muscular Dystrophy Type 1A (MDC1A); Congenital merosin-deficient muscular dystrophy 1A. Identifiers: Orphanet 258, MedGen C1263858, MONDO:0011925, OMIM 607855.

Allele frequency attached by ClinVar (database versions not stated): ExAC 0.00001; ESP Exome Variant Server 0.00008.
gnomAD v4.1: 2 of 1,612,798 alleles (0.00012%); highest among the groups gnomAD compares: Non-Finnish European, 0.00017%; no homozygotes.

Submissions (3):

Labcorp Genetics (formerly Invitae), Labcorp
Classification: Pathogenic for LAMA2-related muscular dystrophy. Last evaluated: 2025-01-06. Review status: criteria provided, single submitter. Criteria: Invitae Variant Classification Sherloc (09022015). Collection method: clinical testing. Allele origin: germline.
Comment: This sequence change creates a premature translational stop signal (p.Glu795*) in the LAMA2 gene. It is expected to result in an absent or disrupted protein product. Loss-of-function variants in LAMA2 are known to be pathogenic (PMID: 18700894, 32904964). This variant is present in population databases (rs149896793, gnomAD 0.0009%). This premature translational stop signal has been observed in individual(s) with congenital muscular dystrophy (PMID: 30055037). ClinVar contains an entry for this variant (Variation ID: 1807350). For these reasons, this variant has been classified as Pathogenic.

Baylor Genetics
Classification: Likely pathogenic for Merosin deficient congenital muscular dystrophy. Last evaluated: 2022-09-29. Review status: criteria provided, single submitter. Criteria: ACMG Guidelines, 2015. Collection method: clinical testing. Allele origin: unknown.

Athena Diagnostics
Classification: Pathogenic. Last evaluated: 2022-04-05. Review status: criteria provided, single submitter. Criteria: Athena Diagnostics Criteria. Collection method: clinical testing. Allele origin: unknown.
Comment: This variant is expected to result in the loss of a functional protein. The frequency of this variant in the general population is consistent with pathogenicity. This variant has been identified in at least one individual with clinical features associated with merosin-deficient congenital muscular dystrophy. Computational tools show this variant may result in the gain of a cryptic splice site, which may cause the removal of 21 codons, including this premature stop codon. However, whether this cryptic site is used, or if it may impact clinical presentation is unknown.

Literature cited by the submitters: PubMed 18700894 (cited by Labcorp Genetics (formerly Invitae), Labcorp); PubMed 32904964 (cited by Labcorp Genetics (formerly Invitae), Labcorp); PubMed 30055037 (cited by Labcorp Genetics (formerly Invitae), Labcorp and Athena Diagnostics).